The following is an entry in ClinVar:

ClinVar aggregate classification (germline): Conflicting classifications of pathogenicity. Review status: criteria provided, conflicting classifications (1 of 4 stars). 3 submissions from 3 submitters: Likely pathogenic (2); Benign (1). Last evaluated 2025-05-20.

Conditions:
NOTCH3-related disorder. Also called: NOTCH3-related condition; NOTCH3-related disorders.
Cerebral arteriopathy, autosomal dominant, with subcortical infarcts and leukoencephalopathy, type 1 (CADASIL1). Also called: CADASIL 1; CASIL; Cerebral arteriopathy with subcortical infarcts and leukoencephalopathy 1; DEMENTIA, HEREDITARY MULTIINFARCT TYPE. Identifiers: Orphanet 136, MedGen C4551768, MONDO:0000914, OMIM 125310.

Submissions (3):

Variantyx, Inc.
Classification: Likely pathogenic for Cerebral arteriopathy, autosomal dominant, with subcortical infarcts and leukoencephalopathy, type 1. Last evaluated: 2025-05-20. Review status: criteria provided, single submitter. Criteria: Variantyx Assertion Criteria 2022. Collection method: clinical testing. Allele origin: germline. Inheritance: Autosomal dominant inheritance. Affected: yes.
Comment: This is a homozygous, nonsynonymous variant in the NOTCH3 gene (OMIM: 600276). Pathogenic variants in this gene have been associated with autosomal dominant cerebral arteriopathy with subcortical infarcts and leukoencephalopathy 1. This variant has been reported in at least 2 unrelated affected individuals (PMID: 22053260, 20164846) (PS4_Moderate) and it lies within a known hotspot for pathogenic variants or a well-established critical functional domain of the NOTCH3 protein (PMID: 32457593, 20301673) (PM1). Multiple computational algorithms predict a deleterious effect for this variant (REVEL score: 0.965) (PP3). This variant is absent from control populations (PM2). Based on the current evidence, this variant is classified as likely pathogenic for autosomal dominant cerebral arteriopathy with subcortical infarcts and leukoencephalopathy 1.

Genomic Medicine Center of Excellence, King Faisal Specialist Hospital and Research Centre
Classification: Benign for Cerebral arteriopathy, autosomal dominant, with subcortical infarcts and leukoencephalopathy, type 1. Last evaluated: 2024-03-25. Review status: criteria provided, single submitter. Criteria: ACMG Guidelines, 2015. Collection method: clinical testing. Allele origin: germline.

Blueprint Genetics
Classification: Likely pathogenic for NOTCH3-related disorders. Last evaluated: 2023-03-07. Review status: criteria provided, single submitter. Criteria: ACMG Guidelines, 2015. Collection method: clinical testing. Allele origin: germline. Affected: yes. Observed: 2 variant alleles.

Literature cited by the submitters: PubMed 32457593 (cited by Variantyx, Inc.); PubMed 20301673 (cited by Variantyx, Inc.); PubMed 22053260 (cited by Variantyx, Inc.); PubMed 20164846 (cited by Variantyx, Inc.).

NM_000435.3(NOTCH3):c.1790G>C (p.Cys597Ser)

Gene: NOTCH3 (notch receptor 3; minus strand). Cytogenetic location: 19p13.12.
Variant type: single nucleotide variant.
Coding change: c.1790G>C on transcript NM_000435.3 (MANE Select); coding-DNA position 1790, G replaced by C.
Protein change: p.Cys597Ser; replaces cysteine 597 with serine.
Molecular consequence: missense variant.
Genome position (GRCh38, 1-based): chr19:15,187,155, C>G on the plus strand (G>C on the coding strand, the complement: NOTCH3 is on the minus strand). VCF-style: chr19-15187155-C-G. GRCh37 (hg19) VCF-style: chr19-15297966-C-G.
Other names: short protein forms C597S.
Identifiers: ClinVar variation 3064880 (VCV003064880.3), dbSNP rs2046888772, ClinGen allele CA404524760.